The following is an entry in ClinVar:

ClinVar aggregate classification (germline): Conflicting classifications of pathogenicity. Review status: criteria provided, conflicting classifications (1 of 4 stars). 3 submissions from 3 submitters: Likely pathogenic (1); Uncertain significance (1). 1 of the submissions does not count toward it. Last evaluated 2026-06-15.

Conditions:
ALG11-congenital disorder of glycosylation. Also called: CONGENITAL DISORDER OF GLYCOSYLATION, TYPE Ip; ALG11-CDG. Identifiers: Orphanet 280071, MedGen C3150913, MONDO:0013349, OMIM 613661.

Allele frequency attached by ClinVar (database versions not stated): gnomAD exomes 0.00001; TOPMed 0.00001.
gnomAD v4.1: 6 of 1,614,126 alleles (0.00037%); highest among the groups gnomAD compares: Non-Finnish European, 0.00042%; no homozygotes.

Submissions (3):

Women's Health and Genetics/Laboratory Corporation of America, LabCorp
Classification: Uncertain significance. Last evaluated: 2026-06-15. Review status: criteria provided, single submitter. Criteria: LabCorp Variant Classification Summary - May 2015. Collection method: clinical testing. Allele origin: germline.
Comment: Variant summary: ALG11 c.935A>G (p.Glu312Gly) results in a non-conservative amino acid change in the encoded protein sequence. Algorithms developed to predict the effect of missense changes on protein structure and function all suggest that this variant is likely to be disruptive. The variant was absent in 251104 control chromosomes (gnomAD). The available data on variant occurrences in the general population are insufficient to allow any conclusion about variant significance. c.935A>G has been observed in one individual affected with ALG11-Congenital Disorder of Glycosylation (Haanp_2019). These data do not allow any conclusion about variant significance. To our knowledge, no experimental evidence demonstrating an impact on protein function has been reported. The following publications have been ascertained in the context of this evaluation (PMID: 32635232, 30676690). ClinVar contains an entry for this variant (Variation ID: 422475). Based on the evidence outlined above, the variant was classified as uncertain significance.

GeneDx
Classification: Likely pathogenic. Last evaluated: 2016-10-31. Review status: criteria provided, single submitter. Criteria: GeneDx Variant Classification (06012015). Collection method: clinical testing. Allele origin: germline. Affected: yes.
Comment: The E312G variant in the ALG11 gene has not been reported previously as a pathogenic variant, nor as a benign variant, to our knowledge. The E312G variant was not observed in approximately 6500 individuals of European and African American ancestry in the NHLBI Exome Sequencing Project, indicating it is not a common benign variant in these populations. The E312G variant is a non-conservative amino acid substitution, which is likely to impact secondary protein structure as these residues differ in polarity, charge, size and/or other properties. This substitution occurs at a position that is conserved across species. In silico analysis predicts this variant is probably damaging to the protein structure/function. The E312G variant is a strong candidate for a pathogenic variant, however the possibility it may be a rare benign variant cannot be excluded.

OMIM
Classification: Pathogenic for CONGENITAL DISORDER OF GLYCOSYLATION, TYPE Ip. Last evaluated: 2020-07-08. Review status: no assertion criteria provided. Collection method: literature only. Allele origin: germline. Not counted in ClinVar's aggregate classification.

Literature cited by the submitters: PubMed 32635232 (cited by Women's Health and Genetics/Laboratory Corporation of America, LabCorp); PubMed 30676690 (cited by Women's Health and Genetics/Laboratory Corporation of America, LabCorp and OMIM).

NM_001004127.3(ALG11):c.935A>G (p.Glu312Gly)

Gene: ALG11 (ALG11 alpha-1,2-mannosyltransferase; plus strand). Cytogenetic location: 13q14.3.
Variant type: single nucleotide variant.
Coding change: c.935A>G on transcript NM_001004127.3 (MANE Select); coding-DNA position 935, A replaced by G.
Protein change: p.Glu312Gly; replaces glutamic acid 312 with glycine.
Molecular consequence: missense variant.
Genome position (GRCh38, 1-based): chr13:52,024,665, A>G. VCF-style: chr13-52024665-A-G. GRCh37 (hg19) VCF-style: chr13-52598801-A-G.
Other names: short protein forms E312G.
Identifiers: ClinVar variation 422475 (VCV000422475.3), dbSNP rs1064795802, ClinGen allele CA16619815.